The following is an entry in ClinVar:

NM_001161352.2(KCNMA1):c.2327G>A (p.Arg776Gln)

Genes: KCNMA1-AS1 (KCNMA1 antisense RNA 1; plus strand), KCNMA1 (potassium calcium-activated channel subfamily M alpha 1; minus strand). Cytogenetic location: 10q22.3.
Variant type: single nucleotide variant.
Coding change: c.2327G>A on transcript NM_001161352.2 (MANE Select); coding-DNA position 2327, G replaced by A.
Protein change: p.Arg776Gln; replaces arginine 776 with glutamine.
Molecular consequence: missense variant.
Genome position (GRCh38, 1-based): chr10:76,970,007, C>T on the plus strand (G>A on the coding strand, the complement: KCNMA1 is on the minus strand). VCF-style: chr10-76970007-C-T. GRCh37 (hg19) VCF-style: chr10-78729765-C-T.
Other names: c.2165G>A, p.Arg722Gln (NM_001014797.3, NM_001322835.2, NM_001322837.2); c.2153G>A, p.Arg718Gln (NM_001161353.2, NM_001322832.2, NM_002247.4); c.2003G>A, p.Arg668Gln (NM_001271518.2); c.2162G>A, p.Arg721Gln (NM_001271519.2, NM_001322829.2, NM_001322836.2); c.2174G>A, p.Arg725Gln (NM_001322830.2); c.1700G>A, p.Arg567Gln (NM_001322838.2); short protein forms R718Q, R721Q, R776Q, R722Q, R725Q, R567Q, R668Q.
Identifiers: ClinVar variation 836603 (VCV000836603.11), dbSNP rs200676185, ClinGen allele CA5568129.

ClinVar aggregate classification (germline): Uncertain significance. Review status: criteria provided, multiple submitters, no conflicts (2 of 4 stars). 2 submissions from 2 submitters: Uncertain significance (2). Last evaluated 2024-06-04.

Conditions:
Generalized epilepsy-paroxysmal dyskinesia syndrome (PNKD3). Also called: Paroxysmal nonkinesigenic dyskinesia, 3, with or without generalized epilepsy; Generalized epilepsy and paroxysmal dyskinesia. Identifiers: Orphanet 79137, MedGen C5574945, MONDO:0012276, OMIM 609446.
Inborn genetic diseases. Identifiers: MedGen C0950123, MeSH D030342.

Allele frequency attached by ClinVar (database versions not stated): gnomAD exomes 0.00001; TOPMed 0.00001.
gnomAD v4.1: 23 of 1,613,742 alleles (0.0014%); highest among the groups gnomAD compares: Admixed American, 0.0033%; no homozygotes.

Submissions (2):

Labcorp Genetics (formerly Invitae), Labcorp
Classification: Uncertain significance for Generalized epilepsy-paroxysmal dyskinesia syndrome. Last evaluated: 2024-06-04. Review status: criteria provided, single submitter. Criteria: Invitae Variant Classification Sherloc (09022015). Collection method: clinical testing. Allele origin: germline.
Comment: This sequence change replaces arginine, which is basic and polar, with glutamine, which is neutral and polar, at codon 718 of the KCNMA1 protein (p.Arg718Gln). This variant is present in population databases (rs200676185, gnomAD 0.002%). This variant has not been reported in the literature in individuals affected with KCNMA1-related conditions. ClinVar contains an entry for this variant (Variation ID: 836603). An algorithm developed to predict the effect of missense changes on protein structure and function (PolyPhen-2) suggests that this variant is likely to be tolerated. In summary, the available evidence is currently insufficient to determine the role of this variant in disease. Therefore, it has been classified as a Variant of Uncertain Significance.

Ambry Genetics
Classification: Uncertain significance for Inborn genetic diseases. Last evaluated: 2023-03-31. Review status: criteria provided, single submitter. Criteria: Ambry Variant Classification Scheme 2023. Collection method: clinical testing. Allele origin: germline.